The following is an entry in ClinVar:

NM_000163.5(GHR):c.1093C>T (p.Leu365Phe)

Gene: GHR (growth hormone receptor; plus strand). Cytogenetic location: 5p12.
Variant type: single nucleotide variant.
Coding change: c.1093C>T on transcript NM_000163.5 (MANE Select); coding-DNA position 1093, C replaced by T.
Protein change: p.Leu365Phe; replaces leucine 365 with phenylalanine.
Molecular consequence: missense variant. On other transcripts: 3 prime UTR variant (1).
Genome position (GRCh38, 1-based): chr5:42,718,600, C>T. VCF-style: chr5-42718600-C-T. GRCh37 (hg19) VCF-style: chr5-42718702-C-T.
Other names: c.1114C>T, p.Leu372Phe (NM_001242399.2); c.1093C>T, p.Leu365Phe (NM_001242400.2, NM_001242401.4, NM_001242402.2 and 4 more transcripts); c.1027C>T, p.Leu343Phe (NM_001242460.2); c.*135C>T (NM_001242462.1); short protein forms L343F, L365F, L372F.
Identifiers: ClinVar variation 1715249 (VCV001715249.6), dbSNP rs976185500, ClinGen allele CA359629000.

ClinVar aggregate classification (germline): Uncertain significance (1 of 4 stars; one submission).

Allele frequency attached by ClinVar (database versions not stated): gnomAD exomes below 0.00001.
gnomAD v4.1: 1 of 1,614,046 alleles (0.000062%); highest among the groups gnomAD compares: Non-Finnish European, 0.000085%; no homozygotes.

Submission:

Labcorp Genetics (formerly Invitae), Labcorp
Classification: Uncertain significance. Last evaluated: 2023-11-27. Review status: criteria provided, single submitter. Criteria: Invitae Variant Classification Sherloc (09022015). Collection method: clinical testing. Allele origin: germline.
Comment: This sequence change replaces leucine, which is neutral and non-polar, with phenylalanine, which is neutral and non-polar, at codon 365 of the GHR protein (p.Leu365Phe). This variant is not present in population databases (gnomAD no frequency). This variant has not been reported in the literature in individuals affected with GHR-related conditions. ClinVar contains an entry for this variant (Variation ID: 1715249). An algorithm developed to predict the effect of missense changes on protein structure and function (PolyPhen-2) suggests that this variant is likely to be disruptive. In summary, the available evidence is currently insufficient to determine the role of this variant in disease. Therefore, it has been classified as a Variant of Uncertain Significance.